The following is an entry in ClinVar:

ClinVar aggregate classification (germline): Conflicting classifications of pathogenicity. Review status: criteria provided, conflicting classifications (1 of 4 stars). 2 submissions from 2 submitters: Uncertain significance (1); Likely benign (1). Last evaluated 2024-03-16.

Conditions:
Cardiovascular phenotype. Identifiers: MedGen CN230736.
Familial hypobetalipoproteinemia 1. Also called: APOB-Related Familial Hypobetalipoproteinemia; Hypobetalipoproteinemia, normotriglyceridemic; Acanthocytosis with hypobetalipoproteinemia. Identifiers: MedGen C4551990, MONDO:0014252, OMIM 615558.
Hypercholesterolemia, autosomal dominant, type B (FHCL2). Also called: Hyperlipoproteinemia Type IIb; Familial hypercholesterolemia 2; Familial Hypercholesterolemia Type B; APOLIPOPROTEIN B-100, FAMILIAL DEFECTIVE; APOLIPOPROTEIN B-100, FAMILIAL LIGAND-DEFECTIVE; HYPERCHOLESTEROLEMIA, FAMILIAL, DUE TO LIGAND-DEFECTIVE APOLIPOPROTEIN B. Identifiers: MedGen C1704417, MONDO:0007751, OMIM 144010.

gnomAD v4.1: 2 of 1,614,082 alleles (0.00012%); highest among the groups gnomAD compares: African/African-American, 0.0027%; no homozygotes.

Submissions (2):

Labcorp Genetics (formerly Invitae), Labcorp
Classification: Likely benign for Familial hypobetalipoproteinemia 1; Hypercholesterolemia, autosomal dominant, type B. Last evaluated: 2024-03-16. Review status: criteria provided, single submitter. Criteria: Invitae Variant Classification Sherloc (09022015). Collection method: clinical testing. Allele origin: germline.

Ambry Genetics
Classification: Uncertain significance for Cardiovascular phenotype. Last evaluated: 2023-11-25. Review status: criteria provided, single submitter. Criteria: Ambry Variant Classification Scheme 2023. Collection method: clinical testing. Allele origin: germline.
Comment: The p.L3436V variant (also known as c.10306T>G), located in coding exon 26 of the APOB gene, results from a T to G substitution at nucleotide position 10306. The leucine at codon 3436 is replaced by valine, an amino acid with highly similar properties. This amino acid position is conserved. In addition, this alteration is predicted to be tolerated by in silico analysis. Since supporting evidence is limited at this time, the clinical significance of this alteration remains unclear.

NM_000384.3(APOB):c.10306T>G (p.Leu3436Val)

Gene: APOB (apolipoprotein B; minus strand). Cytogenetic location: 2p24.1.
Variant type: single nucleotide variant.
Coding change: c.10306T>G on transcript NM_000384.3 (MANE Select); coding-DNA position 10306, T replaced by G.
Protein change: p.Leu3436Val; replaces leucine 3436 with valine.
Molecular consequence: missense variant.
Genome position (GRCh38, 1-based): chr2:21,006,562, A>C on the plus strand (T>G on the coding strand, the complement: APOB is on the minus strand). VCF-style: chr2-21006562-A-C. GRCh37 (hg19) VCF-style: chr2-21229434-A-C.
Other names: short protein forms L3436V.
Identifiers: ClinVar variation 1770963 (VCV001770963.4), dbSNP rs765984252, ClinGen allele CA345986826.